The following is an entry in ClinVar:

NM_000059.4(BRCA2):c.449A>C (p.His150Pro)

Gene: BRCA2 (BRCA2 DNA repair associated; plus strand). Cytogenetic location: 13q13.1.
Variant type: single nucleotide variant.
Coding change: c.449A>C on transcript NM_000059.4 (MANE Select); coding-DNA position 449, A replaced by C.
Protein change: p.His150Pro; replaces histidine 150 with proline.
Molecular consequence: missense variant.
Genome position (GRCh38, 1-based): chr13:32,326,124, A>C. VCF-style: chr13-32326124-A-C. GRCh37 (hg19) VCF-style: chr13-32900261-A-C.
Other names: short protein forms H150P.
Identifiers: ClinVar variation 479349 (VCV000479349.14), dbSNP rs397507722, ClinGen allele CA387757098.
Genomic context (GRCh38, chr13:32,326,124, plus strand): 5'-TAAAATAACCTAAGGGATTTGCTTTGTTTTATTTTAGTCCTGTTGTTCTACAATGTACAC[A>C]TGTAACACCACAAAGAGATAAGTCAGGTATGATTAAAAACAATGCTTTTTATTCTTAGAA-3'
Protein context (NP_000050.3, residues 140-160): SESPVVLQCT[His150Pro]VTPQRDKSVV

ClinVar aggregate classification (germline): Uncertain significance. Review status: criteria provided, multiple submitters, no conflicts (2 of 4 stars). 2 submissions from 2 submitters: Uncertain significance (2). Last evaluated 2020-04-28.

Conditions:
Hereditary cancer-predisposing syndrome. Also called: Neoplastic Syndromes, Hereditary; Hereditary Cancer Syndrome; Hereditary neoplastic syndrome; Tumor predisposition. Identifiers: Orphanet 140162, MedGen C0027672, MeSH D009386, MONDO:0015356.
Hereditary breast ovarian cancer syndrome. Also called: Hereditary breast and ovarian cancer syndrome (HBOC); Hereditary breast and ovarian cancer syndrome; Breast and ovarian cancer; BRCA1- and BRCA2-Associated Hereditary Breast and Ovarian Cancer; Hereditary breast and ovarian cancer; Hereditary breast and/or ovarian cancer syndrome. Identifiers: Orphanet 145, MedGen C0677776, MeSH D061325, MONDO:0003582. Disease mechanism: loss of function.

Submissions (2):

Labcorp Genetics (formerly Invitae), Labcorp
Classification: Uncertain significance for Hereditary breast ovarian cancer syndrome. Last evaluated: 2020-04-28. Review status: criteria provided, single submitter. Criteria: Invitae Variant Classification Sherloc (09022015). Collection method: clinical testing. Allele origin: germline.
Comment: This variant has not been reported in the literature in individuals with BRCA2-related conditions. ClinVar contains an entry for this variant (Variation ID: 479349). This sequence change replaces histidine with proline at codon 150 of the BRCA2 protein (p.His150Pro). The histidine residue is weakly conserved and there is a moderate physicochemical difference between histidine and proline. This variant is not present in population databases (ExAC no frequency). Algorithms developed to predict the effect of missense changes on protein structure and function are either unavailable or do not agree on the potential impact of this missense change (SIFT: "Tolerated"; PolyPhen-2: "Possibly Damaging"; Align-GVGD: "Class C0"). In summary, the available evidence is currently insufficient to determine the role of this variant in disease. Therefore, it has been classified as a Variant of Uncertain Significance.

Ambry Genetics
Classification: Uncertain significance for Hereditary cancer-predisposing syndrome. Last evaluated: 2016-09-12. Review status: criteria provided, single submitter. Criteria: Ambry Variant Classification Scheme 2023. Collection method: clinical testing. Allele origin: germline.
Comment: The p.H150P variant (also known as c.449A>C), located in coding exon 4 of the BRCA2 gene, results from an A to C substitution at nucleotide position 449. The histidine at codon 150 is replaced by proline, an amino acid with similar properties. This variant was not reported in population based cohorts in the following databases: Database of Single Nucleotide Polymorphisms (dbSNP), NHLBI Exome Sequencing Project (ESP), and 1000 Genomes Project. In the ESP, this variant was not observed in 6486 samples (12972 alleles) with coverage at this position. To date, this alteration has been detected with an allele frequency of approximately 0.0003% (greater than 300000 alleles tested) in our clinical cohort. This amino acid position is not well conserved in available vertebrate species. In addition, this alteration is predicted to be tolerated by in silico analysis. Since supporting evidence is limited at this time, the clinical significance of this alteration remains unclear.